The following is an entry in ClinVar:

ClinVar aggregate classification (germline): Likely benign. Review status: criteria provided, multiple submitters, no conflicts (2 of 4 stars). 8 submissions from 8 submitters: Likely benign (8). Last evaluated 2025-12-03.

Conditions:
Cardiovascular phenotype. Identifiers: MedGen CN230736.
Cardiomyopathy (CMYO). Also called: Cardiomyopathies. Identifiers: Orphanet 167848, MedGen C0878544, MONDO:0004994, HP:0001638. Inheritance: Various modes of inheritance.
Lethal congenital glycogen storage disease of heart. Also called: GLYCOGEN STORAGE DISEASE OF HEART; PHOSPHORYLASE KINASE DEFICIENCY OF HEART. Identifiers: Orphanet 439854, MedGen C1849813, MONDO:0009867, OMIM 261740.
Hypertrophic cardiomyopathy. Also called: HYPERTROPHIC MYOCARDIOPATHY. Identifiers: Orphanet 217569, MedGen C0007194, MeSH D002312, MONDO:0005045, HP:0001639.

Allele frequency attached by ClinVar (database versions not stated): gnomAD below 0.00001 and 0.00002; gnomAD exomes 0.00005 and 0.00009; ExAC 0.00007.
gnomAD v4.1: 76 of 1,613,702 alleles (0.0047%); highest among the groups gnomAD compares: South Asian, 0.083%; 1 homozygote.

Submissions (8):

Labcorp Genetics (formerly Invitae), Labcorp
Classification: Likely benign for Lethal congenital glycogen storage disease of heart. Last evaluated: 2025-12-03. Review status: criteria provided, single submitter. Criteria: Invitae Variant Classification Sherloc (09022015). Collection method: clinical testing. Allele origin: germline.

All of Us Research Program, National Institutes of Health
Classification: Likely benign for Hypertrophic cardiomyopathy. Last evaluated: 2023-10-30. Review status: criteria provided, single submitter. Criteria: ACMG Guidelines, 2015. Collection method: clinical testing. Allele origin: germline. Inheritance: Autosomal dominant inheritance. Observed: 5 variant alleles, 5 heterozygotes.
Comment: This study involves interpretation of variants in research participants for the purpose of population health screening. Participant phenotype was not available at the time of variant classification. Additional details can be found in publication PMID: 35346344, PMCID: PMC8962531

Ambry Genetics
Classification: Likely benign for Cardiovascular phenotype. Last evaluated: 2021-08-12. Review status: criteria provided, single submitter. Criteria: Ambry Variant Classification Scheme 2023. Collection method: clinical testing. Allele origin: germline.

Color Diagnostics, LLC DBA Color Health
Classification: Likely benign for Cardiomyopathy. Last evaluated: 2020-09-04. Review status: criteria provided, single submitter. Criteria: ACMG Guidelines, 2015. Collection method: clinical testing. Allele origin: germline.

Blueprint Genetics
Classification: Likely benign. Last evaluated: 2019-10-29. Review status: criteria provided, single submitter. Criteria: ACMG Guidelines, 2015. Collection method: clinical testing. Allele origin: germline.

GeneDx
Classification: Likely benign. Last evaluated: 2018-06-18. Review status: criteria provided, single submitter. Criteria: GeneDx Variant Classification (06012015). Collection method: clinical testing. Allele origin: germline. Affected: yes.
Comment: This variant is considered likely benign or benign based on one or more of the following criteria: it is a conservative change, it occurs at a poorly conserved position in the protein, it is predicted to be benign by multiple in silico algorithms, and/or has population frequency not consistent with disease.

CHEO Genetics Diagnostic Laboratory, Children's Hospital of Eastern Ontario
Classification: Likely benign for Cardiomyopathy. Last evaluated: 2016-04-26. Review status: criteria provided, single submitter. Criteria: ACMG Guidelines, 2015. Collection method: clinical testing. Allele origin: germline. Study: Canadian Open Genetics Repository.

Laboratory for Molecular Medicine, Mass General Brigham Personalized Medicine
Classification: Likely benign. Last evaluated: 2008-06-25. Review status: criteria provided, single submitter. Criteria: LMM Criteria. Collection method: clinical testing. Allele origin: germline. Observed: 1 variant allele.

NM_016203.4(PRKAG2):c.993T>C (p.Tyr331=)

Gene: PRKAG2 (protein kinase AMP-activated non-catalytic subunit gamma 2; minus strand). Cytogenetic location: 7q36.1.
Variant type: single nucleotide variant.
Coding change: c.993T>C on transcript NM_016203.4 (MANE Select); coding-DNA position 993, T replaced by C.
Protein change: p.Tyr331=; no amino-acid change (tyrosine 331 retained).
Molecular consequence: synonymous variant.
Genome position (GRCh38, 1-based): chr7:151,574,903, A>G on the plus strand (T>C on the coding strand, the complement: PRKAG2 is on the minus strand). VCF-style: chr7-151574903-A-G. GRCh37 (hg19) VCF-style: chr7-151271989-A-G.
Other names: c.861T>C, p.Tyr287= (NM_001040633.2); c.618T>C, p.Tyr206= (NM_001304527.2); c.270T>C, p.Tyr90= (NM_001304531.2, NM_024429.2); c.621T>C, p.Tyr207= (NM_001363698.2).
Identifiers: ClinVar variation 45740 (VCV000045740.21), dbSNP rs397517284, ClinGen allele CA014725.
Genomic context (GRCh38, chr7:151,574,903, plus strand): 5'-TAGATACGTACAGCTCCAACTACTGACATAGGAACTGGTGCCACTTACCATAGGTGATTT[A>G]TAGTATCTATGTAGTATATTTATGAAATCTGTAATTGTTAGCATTCCTGGAACAAAGAAT-3'
Protein context (NP_057287.2, residues 321-341): TDFINILHRY[Tyr331=]KSPMVQIYEL